The following is an entry in ClinVar:

NM_001384140.1(PCDH15):c.1096A>T (p.Lys366Ter)

Gene: PCDH15 (protocadherin related 15; minus strand). Cytogenetic location: 10q21.1.
Variant type: single nucleotide variant.
Coding change: c.1096A>T on transcript NM_001384140.1 (MANE Select); coding-DNA position 1096, A replaced by T.
Protein change: p.Lys366Ter; replaces lysine 366 with a stop codon.
Molecular consequence: nonsense.
Genome position (GRCh38, 1-based): chr10:54,213,938, T>A on the plus strand (A>T on the coding strand, the complement: PCDH15 is on the minus strand). VCF-style: chr10-54213938-T-A. GRCh37 (hg19) VCF-style: chr10-55973698-T-A.
Other names: c.1111A>T, p.Lys371Ter (NM_001142763.2, NM_001142769.4, NM_001142771.2); c.1096A>T, p.Lys366Ter (NM_001142764.2, NM_001142765.2, NM_001142766.2 and 7 more transcripts); c.985A>T, p.Lys329Ter (NM_001142767.2); c.1030A>T, p.Lys344Ter (NM_001142768.2, NM_001142773.2, NM_001354404.2); short protein forms K329*, K344*, K366*, K371*.
Identifiers: ClinVar variation 3601599 (VCV003601599.1).

ClinVar aggregate classification (germline): Pathogenic (1 of 4 stars; one submission).

Conditions:
Autosomal recessive nonsyndromic hearing loss 23. Identifiers: Orphanet 90636, MedGen C1836027, MONDO:0012293, OMIM 609533.

Submission:

Institute of Rare Diseases, West China Hospital, Sichuan University
Classification: Pathogenic for Autosomal recessive nonsyndromic hearing loss 23. Last evaluated: 2025-01-09. Review status: criteria provided, single submitter. Criteria: ClinGen HL ACMG Specifications v1. Collection method: research. Allele origin: germline. Affected: yes.
Comment: PVS1;PM3_Supporting;PM2_Supporting